The following is an entry in ClinVar:

NM_006904.7(PRKDC):c.3187C>T (p.Leu1063Phe)

Gene: PRKDC (protein kinase, DNA-activated, catalytic subunit; minus strand). Cytogenetic location: 8q11.21.
Variant type: single nucleotide variant.
Coding change: c.3187C>T on transcript NM_006904.7 (MANE Select); coding-DNA position 3187, C replaced by T.
Protein change: p.Leu1063Phe; replaces leucine 1063 with phenylalanine.
Molecular consequence: missense variant.
Genome position (GRCh38, 1-based): chr8:47,902,651, G>A on the plus strand (C>T on the coding strand, the complement: PRKDC is on the minus strand). VCF-style: chr8-47902651-G-A. GRCh37 (hg19) VCF-style: chr8-48815211-G-A.
Other names: c.3187C>T, p.Leu1063Phe (NM_001081640.2); short protein forms L1063F.
Identifiers: ClinVar variation 2624567 (VCV002624567.2), dbSNP rs1158532382, ClinGen allele CA371156772.

ClinVar aggregate classification (germline): Uncertain significance (1 of 4 stars; one submission).

Allele frequency attached by ClinVar (database versions not stated): gnomAD exomes below 0.00001.
gnomAD v4.1: 1 of 1,613,794 alleles (0.000062%); highest among the groups gnomAD compares: Non-Finnish European, 0.000085%; no homozygotes.

Submission:

Ambry Genetics
Classification: Uncertain significance. Last evaluated: 2023-07-18. Review status: criteria provided, single submitter. Criteria: Ambry Variant Classification Scheme 2023. Collection method: clinical testing. Allele origin: germline.
Comment: The p.L1063F variant (also known as c.3187C>T), located in coding exon 27 of the PRKDC gene, results from a C to T substitution at nucleotide position 3187. The leucine at codon 1063 is replaced by phenylalanine, an amino acid with highly similar properties. This amino acid position is conserved. In addition, the in silico prediction for this alteration is inconclusive. Since supporting evidence is limited at this time, the clinical significance of this alteration remains unclear.